The following is an entry in ClinVar:

ClinVar aggregate classification (germline): Uncertain significance. Review status: criteria provided, multiple submitters, no conflicts (2 of 4 stars). 2 submissions from 2 submitters: Uncertain significance (2). Last evaluated 2024-11-21.

Allele frequency attached by ClinVar (database versions not stated): TOPMed below 0.00001; ExAC 0.00002.
gnomAD v4.1: 34 of 1,597,006 alleles (0.0021%); highest among the groups gnomAD compares: South Asian, 0.0034%; no homozygotes.

Submissions (2):

Ambry Genetics
Classification: Uncertain significance. Last evaluated: 2024-11-21. Review status: criteria provided, single submitter. Criteria: Ambry Variant Classification Scheme 2023. Collection method: clinical testing. Allele origin: germline.

Labcorp Genetics (formerly Invitae), Labcorp
Classification: Uncertain significance. Last evaluated: 2023-10-25. Review status: criteria provided, single submitter. Criteria: Invitae Variant Classification Sherloc (09022015). Collection method: clinical testing. Allele origin: germline.
Comment: This sequence change replaces arginine, which is basic and polar, with glutamine, which is neutral and polar, at codon 319 of the MAPKAPK3 protein (p.Arg319Gln). The frequency data for this variant in the population databases is considered unreliable, as metrics indicate poor data quality at this position in the gnomAD database. This variant has not been reported in the literature in individuals affected with MAPKAPK3-related conditions. ClinVar contains an entry for this variant (Variation ID: 969733). An algorithm developed to predict the effect of missense changes on protein structure and function (PolyPhen-2) suggests that this variant is likely to be tolerated. In summary, the available evidence is currently insufficient to determine the role of this variant in disease. Therefore, it has been classified as a Variant of Uncertain Significance.

NM_001243925.2(MAPKAPK3):c.956G>A (p.Arg319Gln)

Gene: MAPKAPK3 (MAPK activated protein kinase 3; plus strand). Cytogenetic location: 3p21.2.
Variant type: single nucleotide variant.
Coding change: c.956G>A on transcript NM_001243925.2 (MANE Select); coding-DNA position 956, G replaced by A.
Protein change: p.Arg319Gln; replaces arginine 319 with glutamine.
Molecular consequence: missense variant.
Genome position (GRCh38, 1-based): chr3:50,647,163, G>A. VCF-style: chr3-50647163-G-A. GRCh37 (hg19) VCF-style: chr3-50684594-G-A.
Other names: c.956G>A, p.Arg319Gln (NM_001243926.2, NM_004635.5); c.956G>A (NM_004635.4); short protein forms R319Q.
Identifiers: ClinVar variation 969733 (VCV000969733.8), dbSNP rs779105845, ClinGen allele CA2420441.